The following is an entry in ClinVar:

NM_005996.4(TBX3):c.1955G>T (p.Gly652Val)

Gene: TBX3 (T-box transcription factor 3; minus strand). Cytogenetic location: 12q24.21.
Variant type: single nucleotide variant.
Coding change: c.1955G>T on transcript NM_005996.4 (MANE Select); coding-DNA position 1955, G replaced by T.
Protein change: p.Gly652Val; replaces glycine 652 with valine.
Molecular consequence: missense variant.
Genome position (GRCh38, 1-based): chr12:114,672,058, C>A on the plus strand (G>T on the coding strand, the complement: TBX3 is on the minus strand). VCF-style: chr12-114672058-C-A. GRCh37 (hg19) VCF-style: chr12-115109863-C-A.
Other names: c.2015G>T, p.Gly672Val (NM_016569.4); short protein forms G672V, G652V.
Identifiers: ClinVar variation 3699610 (VCV003699610.3).
Genomic context (GRCh38, chr12:114,672,058, plus strand): 5'-AGTTCAGAGCCCGAGTCCACTGCCACCGAGGCCGGGCTGGCGGCCAGGGCGGCGACTTTG[C>A]CGTCCAGGGGCCCCGCGGCCGCCGCCATGGAGGGCAGGGCGGTGGTGAGCAGACTGCTGC-3'
Protein context (NP_005987.3, residues 642-662): SMAAAAGPLD[Gly652Val]KVAALAASPA

ClinVar aggregate classification (germline): Conflicting classifications of pathogenicity. Review status: criteria provided, conflicting classifications (1 of 4 stars). 2 submissions from 2 submitters: Uncertain significance (1); Likely benign (1). Last evaluated 2024-10-17.

Conditions:
Ulnar-mammary syndrome (UMS). Also called: Ulnar-mammary syndrome of Pallister; PALLISTER ULNAR-MAMMARY SYNDROME; SCHINZEL SYNDROME. Identifiers: Orphanet 3138, MedGen C1866994, MONDO:0008411, OMIM 181450.

Submissions (2):

Labcorp Genetics (formerly Invitae), Labcorp
Classification: Uncertain significance for Ulnar-mammary syndrome. Last evaluated: 2024-10-17. Review status: criteria provided, single submitter. Criteria: Invitae Variant Classification Sherloc (09022015). Collection method: clinical testing. Allele origin: germline.
Comment: This sequence change replaces glycine, which is neutral and non-polar, with valine, which is neutral and non-polar, at codon 652 of the TBX3 protein (p.Gly652Val). This variant is not present in population databases (gnomAD no frequency). This variant has not been reported in the literature in individuals affected with TBX3-related conditions. An algorithm developed to predict the effect of missense changes on protein structure and function (PolyPhen-2) suggests that this variant is likely to be tolerated. In summary, the available evidence is currently insufficient to determine the role of this variant in disease. Therefore, it has been classified as a Variant of Uncertain Significance.

Blueprint Genetics
Classification: Likely benign. Last evaluated: 2023-04-19. Review status: criteria provided, single submitter. Criteria: ACMG Guidelines, 2015. Collection method: clinical testing. Allele origin: germline.